The following is an entry in ClinVar:

ClinVar aggregate classification (germline): Uncertain significance (1 of 4 stars; one submission).

Allele frequency attached by ClinVar (database versions not stated): TOPMed below 0.00001; gnomAD 0.00001.
gnomAD v4.1: 5 of 1,540,730 alleles (0.00032%); highest among the groups gnomAD compares: Non-Finnish European, 0.00044%; no homozygotes.

Submission:

Labcorp Genetics (formerly Invitae), Labcorp
Classification: Uncertain significance. Last evaluated: 2022-02-28. Review status: criteria provided, single submitter. Criteria: Invitae Variant Classification Sherloc (09022015). Collection method: clinical testing. Allele origin: germline.
Comment: In summary, the available evidence is currently insufficient to determine the role of this variant in disease. Therefore, it has been classified as a Variant of Uncertain Significance. Algorithms developed to predict the effect of missense changes on protein structure and function output the following: SIFT: "Tolerated"; PolyPhen-2: "Benign"; Align-GVGD: "Class C0". The arginine amino acid residue is found in multiple mammalian species, which suggests that this missense change does not adversely affect protein function. This variant has not been reported in the literature in individuals affected with GCGR-related conditions. This variant is present in population databases (no rsID available, gnomAD 0.003%). This sequence change replaces glycine, which is neutral and non-polar, with arginine, which is basic and polar, at codon 254 of the GCGR protein (p.Gly254Arg).

NM_000160.5(GCGR):c.760G>C (p.Gly254Arg)

Gene: GCGR (glucagon receptor; plus strand). Cytogenetic location: 17q25.3.
Variant type: single nucleotide variant.
Coding change: c.760G>C on transcript NM_000160.5 (MANE Select); coding-DNA position 760, G replaced by C.
Protein change: p.Gly254Arg; replaces glycine 254 with arginine.
Molecular consequence: missense variant.
Genome position (GRCh38, 1-based): chr17:81,811,753, G>C. VCF-style: chr17-81811753-G-C. GRCh37 (hg19) VCF-style: chr17-79769629-G-C.
Other names: short protein forms G254R.
Identifiers: ClinVar variation 1906929 (VCV001906929.5), dbSNP rs1358089389, ClinGen allele CA401498267.